The following is an entry in ClinVar:

NM_014225.6(PPP2R1A):c.695C>T (p.Ala232Val)

Gene: PPP2R1A (protein phosphatase 2 scaffold subunit Aalpha; plus strand). Cytogenetic location: 19q13.41.
Variant type: single nucleotide variant.
Coding change: c.695C>T on transcript NM_014225.6 (MANE Select); coding-DNA position 695, C replaced by T.
Protein change: p.Ala232Val; replaces alanine 232 with valine.
Molecular consequence: missense variant. On other transcripts: non-coding transcript variant (1).
Genome position (GRCh38, 1-based): chr19:52,212,998, C>T. VCF-style: chr19-52212998-C-T. GRCh37 (hg19) VCF-style: chr19-52716251-C-T.
Other names: c.158C>T, p.Ala53Val (NM_001363656.2); short protein forms A232V, A53V.
Identifiers: ClinVar variation 3381324 (VCV003381324.1).

ClinVar aggregate classification (germline): Uncertain significance (1 of 4 stars; one submission).

gnomAD v4.1: 4 of 1,611,066 alleles (0.00025%); highest among the groups gnomAD compares: Non-Finnish European, 0.00034%; no homozygotes.

Submission:

GeneDx
Classification: Uncertain significance. Last evaluated: 2024-05-23. Review status: criteria provided, single submitter. Criteria: GeneDx Variant Classification Process June 2021. Collection method: clinical testing. Allele origin: germline. Affected: yes.
Comment: Not observed at significant frequency in large population cohorts (gnomAD); In silico analysis supports that this missense variant has a deleterious effect on protein structure/function; Has not been previously published as pathogenic or benign to our knowledge